The following is an entry in ClinVar:

ClinVar aggregate classification (germline): Pathogenic/Likely pathogenic. Review status: criteria provided, multiple submitters, no conflicts (2 of 4 stars). 2 submissions from 2 submitters: Pathogenic (1); Likely pathogenic (1). Last evaluated 2025-01-06.

Conditions:
SETD1B-related disorder. Also called: SETD1B-related condition.

Submissions (2):

PreventionGenetics, part of Exact Sciences
Classification: Likely pathogenic for SETD1B-related condition. Last evaluated: 2025-01-06. Review status: criteria provided, single submitter. Criteria: ACMG Guidelines, 2015. Collection method: clinical testing. Allele origin: germline.
Comment: The SETD1B c.4636dupC variant is predicted to result in a frameshift and premature protein termination (p.Gln1546Profs*19). To our knowledge, this variant has not been reported in the literature or in a large population database (gnomAD), indicating this variant is rare. Frameshift variants in SETD1B are expected to be pathogenic. This variant is interpreted as likely pathogenic.

Blueprint Genetics
Classification: Pathogenic for SETD1B-related disorders. Last evaluated: 2022-12-02. Review status: criteria provided, single submitter. Criteria: ACMG Guidelines, 2015. Collection method: clinical testing. Allele origin: de novo. Affected: yes. Observed: 1 variant allele.

NM_001353345.2(SETD1B):c.4765dup (p.Gln1589fs)

Gene: SETD1B (SET domain containing 1B, histone lysine methyltransferase; plus strand). Cytogenetic location: 12q24.31.
Variant type: Duplication.
Coding change: c.4765dup on transcript NM_001353345.2 (MANE Select); coding-DNA position 4765, one base duplicated (C; older notation c.4765dupC).
Protein change: p.Gln1589fs; shifts the reading frame from glutamine 1589.
Molecular consequence: frameshift variant.
Genome position (GRCh38, 1-based): chr12:121,823,344, C duplicated; the last of 7 consecutive C bases (chr12:121,823,338-121,823,344); duplicating any one gives the same sequence. VCF-style (leftmost placement, unchanged base first): chr12-121823337-T-TC. GRCh37 (hg19) VCF-style: chr12-122261243-T-TC.
Other names: NM_015048.1:c.4636dupC; short protein forms Q1589fs.
Identifiers: ClinVar variation 4919021 (VCV004919021.2).